The following is an entry in ClinVar:

NM_001270508.2(TNFAIP3):c.484C>T (p.Arg162Trp)

Gene: TNFAIP3 (TNF alpha induced protein 3; plus strand). Cytogenetic location: 6q23.3.
Variant type: single nucleotide variant.
Coding change: c.484C>T on transcript NM_001270508.2 (MANE Select); coding-DNA position 484, C replaced by T.
Protein change: p.Arg162Trp; replaces arginine 162 with tryptophan.
Molecular consequence: missense variant.
Genome position (GRCh38, 1-based): chr6:137,875,033, C>T. VCF-style: chr6-137875033-C-T. GRCh37 (hg19) VCF-style: chr6-138196170-C-T.
Other names: c.484C>T, p.Arg162Trp (NM_001270507.2, NM_006290.4); short protein forms R162W.
Identifiers: ClinVar variation 135333 (VCV000135333.1), dbSNP rs587778710, ClinGen allele CA162413.
Genomic context (GRCh38, chr6:137,875,033, plus strand): 5'-TGGCAACTGGAGTCTCTCAAATCTCAGGAATTTGTTGAAACGGGGCTTTGCTATGATACT[C>T]GGGTAGGTTTTTCCCCCTAATTATCTACTAACAGAGCTCCATGGTGGGCATAGGGTACCC-3'
Protein context (NP_001257437.1, residues 152-172): FVETGLCYDT[Arg162Trp]NWNDEWDNLI

ClinVar aggregate classification (germline): not provided (0 of 4 stars; one submission).

Allele frequency attached by ClinVar (database versions not stated): gnomAD exomes 0.00001; gnomAD 0.00001; TOPMed 0.00001 and 0.00002.
gnomAD v4.1: 34 of 1,613,922 alleles (0.0021%); highest among the groups gnomAD compares: East Asian, 0.0089%; no homozygotes.

Submission:

ITMI
No classification provided. Condition: AllHighlyPenetrant. Last evaluated: 2013-09-19. Review status: no classification provided. Collection method: reference population. Allele origin: germline.
Comment: Please see associated publication for description of ethnicities

Literature cited by the submitters: PubMed 24728327.